The following is an entry in ClinVar:

NM_014236.4(GNPAT):c.1036T>C (p.Ser346Pro)

Gene: GNPAT (glyceronephosphate O-acyltransferase; plus strand). Cytogenetic location: 1q42.2.
Variant type: single nucleotide variant.
Coding change: c.1036T>C on transcript NM_014236.4 (MANE Select); coding-DNA position 1036, T replaced by C.
Protein change: p.Ser346Pro; replaces serine 346 with proline.
Molecular consequence: missense variant.
Genome position (GRCh38, 1-based): chr1:231,266,388, T>C. VCF-style: chr1-231266388-T-C. GRCh37 (hg19) VCF-style: chr1-231402134-T-C.
Other names: c.853T>C, p.Ser285Pro (NM_001316350.2); c.1036T>C (NM_014236.3); short protein forms S285P, S346P.
Identifiers: ClinVar variation 1400383 (VCV001400383.7), dbSNP rs745935206, ClinGen allele CA1451944.
Genomic context (GRCh38, chr1:231,266,388, plus strand): 5'-GTGTACTTTGGAGATCCTGTGTCACTTCGATCTTTGGCAGCTGGGAGGATGAGTCGGAGC[T>C]CATATAACTTGGTTCCAAGGTGTGACCTGTGTTTTAATAACTGTCTTAGAAATGAGGATT-3'
Protein context (NP_055051.1, residues 336-356): SLAAGRMSRS[Ser346Pro]YNLVPRYIPQ

ClinVar aggregate classification (germline): Conflicting classifications of pathogenicity. Review status: criteria provided, conflicting classifications (1 of 4 stars). 3 submissions from 3 submitters: Uncertain significance (2); Likely benign (1). Last evaluated 2023-05-31.

Conditions:
Inborn genetic diseases. Identifiers: MedGen C0950123, MeSH D030342.

Allele frequency attached by ClinVar (database versions not stated): TOPMed 0.00001; gnomAD 0.00004; ExAC 0.00007; gnomAD exomes 0.00008.
gnomAD v4.1: 16 of 1,613,888 alleles (0.00099%); highest among the groups gnomAD compares: East Asian, 0.036%; no homozygotes.

Submissions (3):

Ambry Genetics
Classification: Likely benign for Inborn genetic diseases. Last evaluated: 2023-05-31. Review status: criteria provided, single submitter. Criteria: Ambry Variant Classification Scheme 2023. Collection method: clinical testing. Allele origin: germline.

Labcorp Genetics (formerly Invitae), Labcorp
Classification: Uncertain significance. Last evaluated: 2022-04-25. Review status: criteria provided, single submitter. Criteria: Invitae Variant Classification Sherloc (09022015). Collection method: clinical testing. Allele origin: germline.
Comment: This sequence change replaces serine, which is neutral and polar, with proline, which is neutral and non-polar, at codon 346 of the GNPAT protein (p.Ser346Pro). This variant is present in population databases (rs745935206, gnomAD 0.1%). This variant has not been reported in the literature in individuals affected with GNPAT-related conditions. Algorithms developed to predict the effect of missense changes on protein structure and function output the following: SIFT: "Tolerated"; PolyPhen-2: "Benign"; Align-GVGD: "Class C0". The proline amino acid residue is found in multiple mammalian species, which suggests that this missense change does not adversely affect protein function. In summary, the available evidence is currently insufficient to determine the role of this variant in disease. Therefore, it has been classified as a Variant of Uncertain Significance.

Breakthrough Genomics
Classification: Uncertain significance. Review status: criteria provided, single submitter. Criteria: ACMG Guidelines, 2015. Collection method: not provided. Allele origin: germline. Inheritance: Autosomal recessive inheritance. Affected: yes.